The following is an entry in ClinVar:

NM_182641.4(BPTF):c.7419C>A (p.Ile2473=)

Gene: BPTF (bromodomain PHD finger transcription factor; plus strand). Cytogenetic location: 17q24.2.
Variant type: single nucleotide variant.
Coding change: c.7419C>A on transcript NM_182641.4 (MANE Select); coding-DNA position 7419, C replaced by A.
Protein change: p.Ile2473=; no amino-acid change (isoleucine 2473 retained).
Molecular consequence: synonymous variant. On other transcripts: intron variant (6).
Genome position (GRCh38, 1-based): chr17:67,946,127, C>A. VCF-style: chr17-67946127-C-A. GRCh37 (hg19) VCF-style: chr17-65942243-C-A.
Other names: c.7608C>A, p.Ile2536= (NM_001439139.1); c.7566+231C>A (NM_001439140.1, NM_004459.7, NM_001439142.1); c.7539+231C>A (NM_001439141.1); c.7377+231C>A (NM_001439144.1, NM_001439143.1).
Identifiers: ClinVar variation 4085525 (VCV004085525.8).

ClinVar aggregate classification (germline): Likely benign (1 of 4 stars; one submission).

Submission:

CeGaT Center for Human Genetics Tuebingen
Classification: Likely benign. Last evaluated: 2025-07-01. Review status: criteria provided, single submitter. Criteria: CeGaT Center For Human Genetics Tuebingen Variant Classification Criteria Version 2. Collection method: clinical testing. Allele origin: germline. Affected: yes. Observed: 1 variant allele.
Comment: BPTF: PM2:Supporting, BP4, BP7